The following is an entry in ClinVar:

NM_001378615.1(CC2D2A):c.199del (p.Glu67fs)

Genes: CC2D2A (coiled-coil and C2 domain containing 2A; plus strand), FBXL5 (F-box and leucine rich repeat protein 5; minus strand). Cytogenetic location: 4p15.32.
Variant type: Deletion.
Coding change: c.199del on transcript NM_001378615.1 (MANE Select); coding-DNA position 199, one base deleted (G; older notation c.199delG).
Protein change: p.Glu67fs; shifts the reading frame from glutamic acid 67.
Molecular consequence: frameshift variant.
Genome position (GRCh38, 1-based): chr4:15,480,779, G deleted; the last of 2 consecutive G bases (chr4:15,480,778-15,480,779); deleting either gives the same sequence. VCF-style (leftmost placement, unchanged base first): chr4-15480777-AG-A. GRCh37 (hg19) VCF-style: chr4-15482401-AG-A.
Other names: c.199del, p.Glu67fs (NM_001080522.2, NM_001164720.3); c.52del, p.Glu18fs (NM_001378617.1); c.305del, p.Gly102fs (NM_020785.2); c.199delG (NM_001080522.2); short protein forms G102fs, E67fs, E18fs.
Identifiers: ClinVar variation 595006 (VCV000595006.17), dbSNP rs1433294475, ClinGen allele CA549881485.

ClinVar aggregate classification (germline): Pathogenic/Likely pathogenic. Review status: criteria provided, multiple submitters, no conflicts (2 of 4 stars). 5 submissions from 5 submitters: Pathogenic (3); Likely pathogenic (2). Last evaluated 2026-09-02.

Conditions:
Meckel-Gruber syndrome. Also called: Dysencephalia splachnocystica; DYSENCEPHALIA SPLANCHNOCYSTICA; GRUBER SYNDROME. Identifiers: Orphanet 564, MedGen C0265215, MONDO:0018921.
Joubert syndrome. Also called: Familial aplasia of the vermis; JOUBERT-BOLTSHAUSER SYNDROME. Identifiers: Orphanet 475, MedGen C5979921, MONDO:0018772.
Joubert syndrome 9 (JBTS9). Identifiers: Orphanet 2318, MedGen C2676788, MONDO:0012849, OMIM 612285.
Meckel syndrome, type 6. Identifiers: Orphanet 564, MedGen C2676790, MONDO:0012848, OMIM 612284.
Retinitis pigmentosa 93. Identifiers: MedGen C5676970, MONDO:0030797, OMIM 619845.
COACH syndrome 2. Identifiers: MedGen C5436837, MONDO:0030859, OMIM 619111.
CC2D2A-related disorder. Also called: CC2D2A-related disorders; CC2D2A-related condition. Identifiers: MedGen CN239313.
Joubert syndrome and related disorders. Identifiers: Orphanet 140874, MedGen C5679612, MONDO:0015369.

Submissions (5):

Myriad Genetics, Inc.
Classification: Pathogenic for Joubert syndrome and related disorders. Last evaluated: 2026-09-02. Review status: criteria provided, single submitter. Criteria: Myriad Autosomal Dominant, Autosomal Recessive and X-Linked Classification Criteria (2023). Collection method: clinical testing. Allele origin: unknown.
Comment: NM_001080522.2(CC2D2A):c.199delG(E67Sfs*7) is a frameshift variant classified as pathogenic in the context of CC2D2A-related disorders. E67Sfs*7 has not been observed in cases with relevant disease. Relevant functional assessments of this variant are not available in the literature. E67Sfs*7 has been observed in referenced population frequency databases. In summary, NM_001080522.2(CC2D2A):c.199delG(E67Sfs*7) is a frameshift variant in a gene where loss of function is a known mechanism of disease and is predicted to disrupt protein function. Please note: this variant was assessed in the context of healthy population screening.

PreventionGenetics, part of Exact Sciences
Classification: Likely pathogenic for CC2D2A-related condition. Last evaluated: 2026-06-03. Review status: criteria provided, single submitter. Criteria: ACMG Guidelines, 2015. Collection method: clinical testing. Allele origin: germline.
Comment: The CC2D2A c.199delG variant is predicted to result in a frameshift and premature protein termination (p.Glu67Serfs*7). To our knowledge, this variant has not been reported in the literature in individuals with CC2D2A-related conditions. This variant is reported in 0.0058% of alleles in individuals of Latino descent in gnomAD and is interpreted as pathogenic/likely pathogenic in ClinVar (Variation ID: 595006). Frameshift variants in CC2D2A are expected to be pathogenic. This variant is interpreted as likely pathogenic.

Labcorp Genetics (formerly Invitae), Labcorp
Classification: Pathogenic for Joubert syndrome; Meckel-Gruber syndrome. Last evaluated: 2025-06-03. Review status: criteria provided, single submitter. Criteria: Invitae Variant Classification Sherloc (09022015). Collection method: clinical testing. Allele origin: germline.
Comment: This sequence change creates a premature translational stop signal (p.Glu67Serfs*7) in the CC2D2A gene. It is expected to result in an absent or disrupted protein product. Loss-of-function variants in CC2D2A are known to be pathogenic (PMID: 19777577). This variant is present in population databases (no rsID available, gnomAD 0.006%). This premature translational stop signal has been observed in individual(s) with CC2D2A-related conditions (internal data). ClinVar contains an entry for this variant (Variation ID: 595006). For these reasons, this variant has been classified as Pathogenic.

Fulgent Genetics
Classification: Likely pathogenic for Meckel syndrome, type 6; Joubert syndrome 9; COACH syndrome 2; Retinitis pigmentosa 93. Last evaluated: 2024-05-03. Review status: criteria provided, single submitter. Criteria: ACMG Guidelines, 2015. Collection method: clinical testing. Allele origin: germline.

Eurofins Ntd Llc (ga)
Classification: Pathogenic. Last evaluated: 2017-11-14. Review status: criteria provided, single submitter. Criteria: EGL Classification Definitions 2015. Collection method: clinical testing. Allele origin: germline. Observed: 1 variant allele, 1 heterozygote.

Literature cited by the submitters: PubMed 19777577 (cited by Labcorp Genetics (formerly Invitae), Labcorp).